The following is an entry in ClinVar:

ClinVar aggregate classification (germline): Uncertain significance. Review status: criteria provided, multiple submitters, no conflicts (2 of 4 stars). 2 submissions from 2 submitters: Uncertain significance (2). Last evaluated 2021-07-07.

Conditions:
MELAS syndrome (MELAS). Also called: Juvenile myopathy, encephalopathy, lactic acidosis, stroke. Identifiers: Orphanet 550, MedGen C0162671, MONDO:0010789, OMIM 540000.
Hypokalemia. Identifiers: MedGen C0020621, HP:0002900.
Hypomagnesemia. Identifiers: MedGen C0151723, MONDO:0018100, HP:0002917.
Chronic kidney disease. Identifiers: MedGen C1561643, MONDO:0005300, HP:0012622.

Submissions (2):

Joint Genome Diagnostic Labs from Nijmegen and Maastricht, Radboudumc and MUMC+
Classification: Uncertain significance for Hypomagnesemia; Hypokalemia; Chronic kidney disease. Last evaluated: 2021-07-07. Review status: criteria provided, single submitter. Criteria: mtDNA variant interpretation. Collection method: clinical testing. Allele origin: maternal. Inheritance: Mitochondrial inheritance. Affected: yes.
Comment: The m.643A>G variant was observed in 1 family affected by chronic kidney disease, hypomagnesemia with renal magnesium wasting and hypokalemia.(Viering et al. 2021). The (near-)homoplasmic variant cosegregated with disease. The variant was still scored as a variant of uncertain signficance after following the criteria published by Wong et al. (2020). Based on the study by Viering et al. (2021), the following evidence codes were added for this variant: PS2, PM9, PM10.

Wong Mito Lab, Molecular and Human Genetics, Baylor College of Medicine
Classification: Uncertain significance for MELAS syndrome. Last evaluated: 2019-07-12. Review status: criteria provided, single submitter. Criteria: Modified ACMG Guidelines (Unpublished). Collection method: clinical testing. Allele origin: germline.
Comment: The NC_012920.1:m.643A>G variant in MT-TF gene is interpreted to be a Unknown Significance variant based on the modified ACMG guidelines (unpublished). This variant meets the following evidence codes reported in the guidelines: BS4, PP7

Literature cited by the submitters: PubMed 31965079 (cited by Wong Mito Lab, Molecular and Human Genetics, Baylor College of Medicine).

NC_012920.1(MT-TF):m.643A>G

Gene: MT-TF (mitochondrially encoded tRNA phenylalanine; plus strand).
Variant type: single nucleotide variant.
Genome position: chrM-643-A-G.
Identifiers: ClinVar variation 689830 (VCV000689830.5), dbSNP rs1603218472, ClinGen allele CA913175714.